The following is an entry in ClinVar:

ClinVar aggregate classification (germline): Likely benign (1 of 4 stars; one submission).

Submission:

CeGaT Center for Human Genetics Tuebingen
Classification: Likely benign. Last evaluated: 2024-11-01. Review status: criteria provided, single submitter. Criteria: CeGaT Center For Human Genetics Tuebingen Variant Classification Criteria Version 2. Collection method: clinical testing. Allele origin: germline. Affected: yes. Observed: 1 variant allele.
Comment: ATP11C: BP4, BS2

NM_001353812.2(ATP11C):c.3288+7A>G

Gene: ATP11C (ATPase phospholipid transporting 11C (ATP11C blood group); minus strand). Cytogenetic location: Xq27.1.
Variant type: single nucleotide variant.
Coding change: c.3288+7A>G on transcript NM_001353812.2 (MANE Select); 7 bases into the intron after coding-DNA position 3288, A replaced by G.
Molecular consequence: intron variant.
Genome position (GRCh38, 1-based): chrX:139,737,909, T>C on the plus strand (A>G on the coding strand, the complement: ATP11C is on the minus strand). VCF-style: chrX-139737909-T-C. GRCh37 (hg19) VCF-style: chrX-138820068-T-C.
Other names: c.3288+7A>G (NM_001353810.2, NM_001353811.2); c.3297+7A>G (NM_001010986.3, NM_173694.5).
Identifiers: ClinVar variation 3388892 (VCV003388892.14).